The following is an entry in ClinVar:

NM_006182.4(DDR2):c.298G>T (p.Val100Leu)

Gene: DDR2 (discoidin domain receptor tyrosine kinase 2; plus strand). Cytogenetic location: 1q23.3.
Variant type: single nucleotide variant.
Coding change: c.298G>T on transcript NM_006182.4 (MANE Select); coding-DNA position 298, G replaced by T.
Protein change: p.Val100Leu; replaces valine 100 with leucine.
Molecular consequence: missense variant.
Genome position (GRCh38, 1-based): chr1:162,754,736, G>T. VCF-style: chr1-162754736-G-T. GRCh37 (hg19) VCF-style: chr1-162724526-G-T.
Other names: c.298G>T, p.Val100Leu (NM_001014796.3, NM_001354982.2, NM_001354983.2); short protein forms V100L.
Identifiers: ClinVar variation 1016775 (VCV001016775.5), dbSNP rs1212499835, ClinGen allele CA343405226.

ClinVar aggregate classification (germline): Uncertain significance (1 of 4 stars; one submission).

Allele frequency attached by ClinVar (database versions not stated): gnomAD exomes below 0.00001; TOPMed below 0.00001; gnomAD 0.00001.
gnomAD v4.1: 4 of 1,613,988 alleles (0.00025%); highest among the groups gnomAD compares: African/African-American, 0.004%; no homozygotes.

Submission:

Labcorp Genetics (formerly Invitae), Labcorp
Classification: Uncertain significance. Last evaluated: 2025-01-06. Review status: criteria provided, single submitter. Criteria: Invitae Variant Classification Sherloc (09022015). Collection method: clinical testing. Allele origin: germline.
Comment: This sequence change replaces valine, which is neutral and non-polar, with leucine, which is neutral and non-polar, at codon 100 of the DDR2 protein (p.Val100Leu). This variant is present in population databases (no rsID available, gnomAD 0.007%). This variant has not been reported in the literature in individuals affected with DDR2-related conditions. ClinVar contains an entry for this variant (Variation ID: 1016775). An algorithm developed to predict the effect of missense changes on protein structure and function (PolyPhen-2) suggests that this variant is likely to be disruptive. In summary, the available evidence is currently insufficient to determine the role of this variant in disease. Therefore, it has been classified as a Variant of Uncertain Significance.